The following is an entry in ClinVar:

ClinVar aggregate classification (germline): Pathogenic (1 of 4 stars; one submission).

Conditions:
Primary ciliary dyskinesia. Also called: Ciliary dyskinesia. Identifiers: Orphanet 244, MedGen C0008780, MONDO:0016575, HP:0012265.

Submission:

Labcorp Genetics (formerly Invitae), Labcorp
Classification: Pathogenic for Primary ciliary dyskinesia. Last evaluated: 2023-10-19. Review status: criteria provided, single submitter. Criteria: Invitae Variant Classification Sherloc (09022015). Collection method: clinical testing. Allele origin: germline.
Comment: This sequence change creates a premature translational stop signal (p.Gln3123Lysfs*7) in the DNAH11 gene. It is expected to result in an absent or disrupted protein product. Loss-of-function variants in DNAH11 are known to be pathogenic (PMID: 18022865, 20513915, 22184204). This variant is not present in population databases (gnomAD no frequency). This variant has not been reported in the literature in individuals affected with DNAH11-related conditions. For these reasons, this variant has been classified as Pathogenic.

Literature cited by the submitters: PubMed 18022865; PubMed 20513915; PubMed 22184204.

NM_001277115.2(DNAH11):c.9366del (p.Gln3123fs)

Gene: DNAH11 (dynein axonemal heavy chain 11; plus strand). Cytogenetic location: 7p15.3.
Variant type: Deletion.
Coding change: c.9366del on transcript NM_001277115.2 (MANE Select); coding-DNA position 9366, one base deleted (T; older notation c.9366delT).
Protein change: p.Gln3123fs; shifts the reading frame from glutamine 3123.
Molecular consequence: frameshift variant.
Genome position (GRCh38, 1-based): chr7:21,778,987, T deleted. VCF-style (leftmost placement, unchanged base first): chr7-21778986-CT-C. GRCh37 (hg19) VCF-style: chr7-21818604-CT-C.
Other names: c.9387delT, p.Gln3130Lysfs (NM_003777.3); short protein forms Q3123fs.
Identifiers: ClinVar variation 2770069 (VCV002770069.3), dbSNP rs2477489047, ClinGen allele CA2697557159.
Genomic context (GRCh38, chr7:21,778,986, plus strand): 5'-CAGTGACGTAAGAATAATGACTTTTGCTTTAGGTGGGAGATCTAAAAGCCAGACTTGCCT[CT>C]CAAGAAGCCGAGCTGCAACTGAGAAATCATGATGCCGAAGCTCTGATCACAAAGATCGGC-3'